The following is an entry in ClinVar:

NM_001267550.2(TTN):c.5092G>T (p.Glu1698Ter)

Gene: TTN (titin; minus strand). Cytogenetic location: 2q31.2.
Variant type: single nucleotide variant.
Coding change: c.5092G>T on transcript NM_001267550.2 (MANE Select); coding-DNA position 5092, G replaced by T.
Protein change: p.Glu1698Ter; replaces glutamic acid 1698 with a stop codon.
Molecular consequence: nonsense.
Genome position (GRCh38, 1-based): chr2:178,776,772, C>A on the plus strand (G>T on the coding strand, the complement: TTN is on the minus strand). VCF-style: chr2-178776772-C-A. GRCh37 (hg19) VCF-style: chr2-179641499-C-A.
Other names: c.5092G>T, p.Glu1698Ter (NM_001256850.1, NM_133378.4, NM_133379.5); c.4954G>T, p.Glu1652Ter (NM_003319.4, NM_133432.3, NM_133437.4); short protein forms E1652*, E1698*.
Identifiers: ClinVar variation 3756573 (VCV003756573.2).

ClinVar aggregate classification (germline): Likely pathogenic (1 of 4 stars; one submission).

Conditions:
Dilated cardiomyopathy 1G (CMD1G). Identifiers: Orphanet 154, MedGen C1858763, MONDO:0011400, OMIM 604145.
Autosomal recessive limb-girdle muscular dystrophy type 2J (LGMDR10). Also called: Limb-girdle muscular dystrophy, type 2J; MUSCULAR DYSTROPHY, LIMB-GIRDLE, AUTOSOMAL RECESSIVE 10. Identifiers: Orphanet 140922, MedGen C1837342, MONDO:0012127, OMIM 608807.

Submission:

Labcorp Genetics (formerly Invitae), Labcorp
Classification: Likely pathogenic for Dilated cardiomyopathy 1G; Autosomal recessive limb-girdle muscular dystrophy type 2J. Last evaluated: 2024-05-28. Review status: criteria provided, single submitter. Criteria: Invitae Variant Classification Sherloc (09022015). Collection method: clinical testing. Allele origin: germline.
Comment: This sequence change creates a premature translational stop signal (p.Glu1698*) in the TTN gene. While this is not anticipated to result in nonsense mediated decay, it is expected to create a truncated TTN protein. This variant is not present in population databases (gnomAD no frequency). This variant has not been reported in the literature in individuals affected with TTN-related conditions. This variant is located in the Z band of TTN (PMID: 25589632). Truncating variants in this region have been reported in individuals affected with autosomal recessive centronuclear myopathy (PMID: 33449170, Invitae internal data). Truncating variants in this region have also been identified in individuals affected with autosomal dominant dilated cardiomyopathy and/or cardio-related conditions (PMID: 27869827, 32964742, Invitae internal data). In summary, the currently available evidence indicates that the variant is pathogenic, but additional data are needed to prove that conclusively. Therefore, this variant has been classified as Likely Pathogenic.

Literature cited by the submitters: PubMed 25589632; PubMed 33449170; PubMed 27869827; PubMed 32964742.